The following is an entry in ClinVar:

NM_001378969.1(KCND3):c.1033G>A (p.Gly345Ser)

Gene: KCND3 (potassium voltage-gated channel subfamily D member 3; minus strand). Cytogenetic location: 1p13.2.
Variant type: single nucleotide variant.
Coding change: c.1033G>A on transcript NM_001378969.1 (MANE Select); coding-DNA position 1033, G replaced by A.
Protein change: p.Gly345Ser; replaces glycine 345 with serine.
Molecular consequence: missense variant.
Genome position (GRCh38, 1-based): chr1:111,981,694, C>T on the plus strand (G>A on the coding strand, the complement: KCND3 is on the minus strand). VCF-style: chr1-111981694-C-T. GRCh37 (hg19) VCF-style: chr1-112524316-C-T.
Other names: c.1033G>A, p.Gly345Ser (NM_001378970.1, NM_004980.5, NM_172198.3); short protein forms G345S.
Identifiers: ClinVar variation 4041477 (VCV004041477.1).

ClinVar aggregate classification (germline): Uncertain significance (1 of 4 stars; one submission).

Conditions:
Cardiovascular phenotype. Identifiers: MedGen CN230736.

gnomAD v4.1: 5 of 1,614,014 alleles (0.00031%); highest among the groups gnomAD compares: Non-Finnish European, 0.00034%; no homozygotes.

Submission:

Ambry Genetics
Classification: Uncertain significance for Cardiovascular phenotype. Last evaluated: 2025-05-08. Review status: criteria provided, single submitter. Criteria: Ambry Variant Classification Scheme 2023. Collection method: clinical testing. Allele origin: germline.
Comment: The p.G345S variant (also known as c.1033G>A), located in coding exon 1 of the KCND3 gene, results from a G to A substitution at nucleotide position 1033. The glycine at codon 345 is replaced by serine, an amino acid with similar properties. This amino acid position is conserved. In addition, this alteration is predicted to be deleterious by in silico analysis. Based on the available evidence, the clinical significance of this variant remains unclear.